The following is an entry in ClinVar:

ClinVar aggregate classification (germline): Uncertain significance (1 of 4 stars; one submission).

Allele frequency attached by ClinVar (database versions not stated): gnomAD 0.00001; TOPMed 0.00001; ExAC 0.00002; ESP Exome Variant Server 0.00008.
gnomAD v4.1: 21 of 1,614,044 alleles (0.0013%); highest among the groups gnomAD compares: Non-Finnish European, 0.0017%; no homozygotes.

Submission:

Labcorp Genetics (formerly Invitae), Labcorp
Classification: Uncertain significance. Last evaluated: 2022-08-24. Review status: criteria provided, single submitter. Criteria: Invitae Variant Classification Sherloc (09022015). Collection method: clinical testing. Allele origin: germline.
Comment: In summary, the available evidence is currently insufficient to determine the role of this variant in disease. Therefore, it has been classified as a Variant of Uncertain Significance. Algorithms developed to predict the effect of missense changes on protein structure and function are either unavailable or do not agree on the potential impact of this missense change (SIFT: "Not Available"; PolyPhen-2: "Possibly Damaging"; Align-GVGD: "Not Available"). This variant has not been reported in the literature in individuals affected with ADD3-related conditions. This variant is present in population databases (rs367814128, gnomAD 0.004%). This sequence change replaces glycine, which is neutral and non-polar, with valine, which is neutral and non-polar, at codon 355 of the ADD3 protein (p.Gly355Val).

NM_016824.5(ADD3):c.1064G>T (p.Gly355Val)

Gene: ADD3 (adducin 3; plus strand). Cytogenetic location: 10q25.2.
Variant type: single nucleotide variant.
Coding change: c.1064G>T on transcript NM_016824.5 (MANE Select); coding-DNA position 1064, G replaced by T.
Protein change: p.Gly355Val; replaces glycine 355 with valine.
Molecular consequence: missense variant.
Genome position (GRCh38, 1-based): chr10:110,122,213, G>T. VCF-style: chr10-110122213-G-T. GRCh37 (hg19) VCF-style: chr10-111881971-G-T.
Other names: c.1064G>T, p.Gly355Val (NM_001121.4, NM_001320591.2, NM_001320592.2 and 2 more transcripts); c.830G>T, p.Gly277Val (NM_001320594.2); short protein forms G355V, G277V.
Identifiers: ClinVar variation 1908912 (VCV001908912.5), dbSNP rs367814128, ClinGen allele CA5686531.